The following is an entry in ClinVar:

ClinVar aggregate classification (germline): Uncertain significance (1 of 4 stars; one submission).

Conditions:
Cardiomyopathy (CMYO). Also called: Cardiomyopathies. Identifiers: Orphanet 167848, MedGen C0878544, MONDO:0004994, HP:0001638. Inheritance: Various modes of inheritance.

Allele frequency attached by ClinVar (database versions not stated): gnomAD exomes below 0.00001.

Submission:

Color Diagnostics, LLC DBA Color Health
Classification: Uncertain significance for Cardiomyopathy. Last evaluated: 2024-03-06. Review status: criteria provided, single submitter. Criteria: ACMG Guidelines, 2015. Collection method: clinical testing. Allele origin: germline.
Comment: This missense variant replaces alanine with valine at codon 246 of the TMEM43 protein. Computational prediction suggests that this variant may not impact protein structure and function (internally defined REVEL score threshold <= 0.5, PMID: 27666373). To our knowledge, functional studies have not been reported for this variant. This variant has not been reported in individuals affected with cardiovascular disorders in the literature. This variant has been identified in 1/250034 chromosomes in the general population by the Genome Aggregation Database (gnomAD). The available evidence is insufficient to determine the role of this variant in disease conclusively. Therefore, this variant is classified as a Variant of Uncertain Significance.

NM_024334.3(TMEM43):c.737C>T (p.Ala246Val)

Gene: TMEM43 (transmembrane protein 43; plus strand). Cytogenetic location: 3p25.1.
Variant type: single nucleotide variant.
Coding change: c.737C>T on transcript NM_024334.3 (MANE Select); coding-DNA position 737, C replaced by T.
Protein change: p.Ala246Val; replaces alanine 246 with valine.
Molecular consequence: missense variant. On other transcripts: intron variant (1).
Genome position (GRCh38, 1-based): chr3:14,135,189, C>T. VCF-style: chr3-14135189-C-T. GRCh37 (hg19) VCF-style: chr3-14176689-C-T.
Other names: c.740C>T, p.Ala247Val (NM_001407274.1); c.737C>T, p.Ala246Val (NM_001407275.1, NM_001407276.1, NM_001407277.1); c.722C>T, p.Ala241Val (NM_001407278.1); c.587C>T, p.Ala196Val (NM_001407280.1); c.705+298C>T (NM_001407279.1); short protein forms A246V, A196V, A241V, A247V.
Identifiers: ClinVar variation 2774604 (VCV002774604.2), dbSNP rs1449718945, ClinGen allele CA351535759.
Genomic context (GRCh38, chr3:14,135,189, plus strand): 5'-CACTCTCCCTGCTTCTCTTCCACCCCCAGGTGGGAGACTTGCGTGTCTCCTTTTCCTATG[C>T]TGGACTGAGCGGCGATGACCCTGACCTGGGCCCAGCTCACGTGGTAACCTGGCTTCCCAG-3'
Protein context (NP_077310.1, residues 236-256): VGDLRVSFSY[Ala246Val]GLSGDDPDLG